The following is an entry in ClinVar:

NM_133433.4(NIPBL):c.868G>C (p.Gly290Arg)

Gene: NIPBL (NIPBL cohesin loading factor; plus strand). Cytogenetic location: 5p13.2.
Variant type: single nucleotide variant.
Coding change: c.868G>C on transcript NM_133433.4 (MANE Select); coding-DNA position 868, G replaced by C.
Protein change: p.Gly290Arg; replaces glycine 290 with arginine.
Molecular consequence: missense variant.
Genome position (GRCh38, 1-based): chr5:36,972,041, G>C. VCF-style: chr5-36972041-G-C. GRCh37 (hg19) VCF-style: chr5-36972143-G-C.
Other names: c.868G>C, p.Gly290Arg (NM_015384.5); short protein forms G290R.
Identifiers: ClinVar variation 3382476 (VCV003382476.2).

ClinVar aggregate classification (germline): Uncertain significance (1 of 4 stars; one submission).

Conditions:
Cornelia de Lange syndrome 1 (CDLS1). Also called: TYPUS DEGENERATIVUS AMSTELODAMENSIS; Brachmann de Lange syndrome; NIPBL-Related Cornelia de Lange Syndrome. Identifiers: Orphanet 199, MedGen C4551851, MONDO:0007387, OMIM 122470.

Submission:

Juno Genomics, Hangzhou Juno Genomics, Inc
Classification: Uncertain significance for Cornelia de Lange syndrome 1. Review status: criteria provided, single submitter. Criteria: ACMG Guidelines, 2015. Collection method: clinical testing. Allele origin: germline. Affected: yes.
Comment: Absent from controls (or at extremely low frequency if recessive) in Genome Aggregation Database, Exome Sequencing Project, 1000 Genomes Project, or Exome Aggregation Consortium.;Multiple lines of computational evidence support a deleterious effect on the gene or gene product (conservation, evolutionary, splicing impact, etc).;Assumed de novo, but without confirmation of paternity and maternity.;Patient's phenotype or family history is highly specific for a disease with a single genetic etiology.